The following is an entry in ClinVar:

NM_003361.4(UMOD):c.529_555del (p.His177_Arg185del)

Gene: UMOD (uromodulin; minus strand). Cytogenetic location: 16p12.3.
Variant type: Deletion.
Coding change: c.529_555del on transcript NM_003361.4 (MANE Select); coding-DNA positions 529 to 555, 27 bases deleted (CACCGCACCCTGGACGAGTACTGGCGC).
Protein change: p.His177_Arg185del.
Molecular consequence: inframe deletion. On other transcripts: non-coding transcript variant (1).
Genome position (GRCh38, 1-based): chr16:20,348,746-20,348,772, GCGCCAGTACTCGTCCAGGGTGCGGTG deleted on the plus strand (CACCGCACCCTGGACGAGTACTGGCGC on the coding strand, the reverse complement: UMOD is on the minus strand). VCF-style (leftmost placement, unchanged base first): chr16-20348745-TGCGCCAGTACTCGTCCAGGGTGCGGTG-T. GRCh37 (hg19) VCF-style: chr16-20360067-TGCGCCAGTACTCGTCCAGGGTGCGGTG-T.
Other names: c.529_555del27 (NM_003361.3); c.529_555del, p.His177_Arg185del (NM_001008389.3, NM_001378232.1, NM_001378233.1 and 3 more transcripts); c.628_654del, p.His210_Arg218del (NM_001278614.2).
Identifiers: ClinVar variation 12254 (VCV000012254.56), dbSNP rs1555487528, ClinGen allele CA494097010.

ClinVar aggregate classification (germline): Pathogenic. Review status: criteria provided, multiple submitters, no conflicts (2 of 4 stars). 7 submissions from 7 submitters: Pathogenic (4). 3 of the submissions do not count toward it. Last evaluated 2025-03-16.

Conditions:
UMOD-related disorder. Also called: UMOD-related condition.
Familial juvenile hyperuricemic nephropathy type 1 (ADTKD1). Also called: UMOD-Associated Kidney Disease; Uromodulin-associated kidney disease; Glomerulocystic kidney disease with hyperuricemia and isosthenuria; Medullary cystic kidney disease 2; Autosomal Dominant Tubulointerstitial Kidney Disease – UMOD. Identifiers: Orphanet 209886, Orphanet 34149, Orphanet 88950, MedGen C4551496, MONDO:0008073, OMIM 162000.

Submissions (7):

Labcorp Genetics (formerly Invitae), Labcorp
Classification: Pathogenic. Last evaluated: 2025-03-16. Review status: criteria provided, single submitter. Criteria: Invitae Variant Classification Sherloc (09022015). Collection method: clinical testing. Allele origin: germline.
Comment: This variant, c.529_555del, results in the deletion of 9 amino acid(s) of the UMOD protein (p.His177_Arg185del), but otherwise preserves the integrity of the reading frame. This variant is not present in population databases (gnomAD no frequency). This variant has been observed in individual(s) with familial juvenile hyperuricaemic nephropathy (PMID: 12471200). It has also been observed to segregate with disease in related individuals. ClinVar contains an entry for this variant (Variation ID: 12254). For these reasons, this variant has been classified as Pathogenic.

Athena Diagnostics
Classification: Pathogenic. Last evaluated: 2024-01-11. Review status: criteria provided, single submitter. Criteria: Athena Diagnostics Criteria. Collection method: clinical testing. Allele origin: unknown.
Comment: This variant has been identified in multiple unrelated individuals with clinical features associated with this gene, and segregates with disease in at least one family. This variant has not been reported in large, multi-ethnic general populations. This variant occurs as the most likely explanation for disease in a significant number of internal cases, suggesting this variant is associated with disease. Assessment of experimental evidence suggests this variant results in abnormal protein function. (PMID: 16135773)

Blueprint Genetics
Classification: Pathogenic for UMOD-related disorders. Last evaluated: 2022-05-19. Review status: criteria provided, single submitter. Criteria: ACMG Guidelines, 2015. Collection method: clinical testing. Allele origin: germline. Affected: yes. Observed: 2 variant alleles.

Fulgent Genetics
Classification: Pathogenic for Familial juvenile hyperuricemic nephropathy type 1. Last evaluated: 2022-01-03. Review status: criteria provided, single submitter. Criteria: ACMG Guidelines, 2015. Collection method: clinical testing. Allele origin: unknown.

PreventionGenetics, part of Exact Sciences
Classification: Pathogenic for UMOD-related condition. Last evaluated: 2024-08-16. Review status: no assertion criteria provided. Collection method: clinical testing. Allele origin: germline. Not counted in ClinVar's aggregate classification.
Comment: The UMOD c.529_555del27 variant is predicted to result in an in-frame deletion (p.His177_Arg185del). In a linkage mapping and sequencing study, this variant has been reported to completely segregate with disease in a large multigenerational family affected by familial juvenile hyperuricaemic nephropathy (Family 1 in Hart et al. 2002. PubMed ID: 12471200). In addition, this variant has also been reported in patients with UMOD-related diseases (Table S3 of Bleyer et al. 2022. PubMed ID: 35325889; Table S1 of Olinger et al. 2020. PubMed ID: 32450155; Wilson et al. 2020. PubMed ID: 35372954). In the ClinVar database, this variant has been interpreted as pathogenic. This variant has not been reported in a large population database, indicating this variant is rare. This variant is interpreted as pathogenic.

OMIM
Classification: Pathogenic for TUBULOINTERSTITIAL KIDNEY DISEASE, AUTOSOMAL DOMINANT 1. Last evaluated: 2002-12-01. Review status: no assertion criteria provided. Collection method: literature only. Allele origin: germline. Not counted in ClinVar's aggregate classification.

GeneReviews
No classification provided. Condition: Familial juvenile hyperuricemic nephropathy type 1. Review status: no classification provided. Collection method: literature only. Allele origin: germline. Not counted in ClinVar's aggregate classification.
Comment: Common pathogenic variant

Literature cited by the submitters: PubMed 12471200 (cited by 3 submitters); PubMed 16135773 (cited by Athena Diagnostics); PubMed 32450155 (cited by Athena Diagnostics); PubMed 34251273 (cited by Athena Diagnostics); PubMed 29212948 (cited by Athena Diagnostics); PubMed 35372954 (cited by Athena Diagnostics); PubMed 32954071 (cited by GeneReviews).